The following is an entry in ClinVar:

NM_032119.4(ADGRV1):c.10584T>C (p.Ala3528=)

Gene: ADGRV1 (adhesion G protein-coupled receptor V1; plus strand). Cytogenetic location: 5q14.3.
Variant type: single nucleotide variant.
Coding change: c.10584T>C on transcript NM_032119.4 (MANE Select); coding-DNA position 10584, T replaced by C.
Protein change: p.Ala3528=; no amino-acid change (alanine 3528 retained).
Molecular consequence: synonymous variant. On other transcripts: non-coding transcript variant (1).
Genome position (GRCh38, 1-based): chr5:90,745,080, T>C. VCF-style: chr5-90745080-T-C. GRCh37 (hg19) VCF-style: chr5-90040897-T-C.
Other names: c.10584T>C (NM_032119.3).
Identifiers: ClinVar variation 2721485 (VCV002721485.5), dbSNP rs1300263240, ClinGen allele CA445415732.
Genomic context (GRCh38, chr5:90,745,080, plus strand): 5'-AGTTGTTTTTTCTTTCCTTCCTGCAGCCCACATACTTCTTATTGGCCAAGATATGTCTGC[T>C]CTTTACTGCTGGAATTCGGAGCGTAATCAATTCTCTTTTGTTCTGGAAGTACCTTCTGCT-3'
Protein context (NP_115495.3, residues 3518-3538): HILLIGQDMS[Ala3528=]LYCWNSERNQ

ClinVar aggregate classification (germline): Likely benign. Review status: criteria provided, multiple submitters, no conflicts (2 of 4 stars). 3 submissions from 3 submitters: Likely benign (3). Last evaluated 2026-06-02.

Conditions:
ADGRV1-related disorder. Also called: ADGRV1-related disorders; ADGRV1-related condition.

Allele frequency attached by ClinVar (database versions not stated): gnomAD 0.00001.
gnomAD v4.1: 4 of 1,613,712 alleles (0.00025%); highest among the groups gnomAD compares: Non-Finnish European, 0.00034%; no homozygotes.

Submissions (3):

PreventionGenetics, part of Exact Sciences
Classification: Likely benign for ADGRV1-related condition. Last evaluated: 2026-06-02. Review status: criteria provided, single submitter. Criteria: ACMG Guidelines, 2015. Collection method: clinical testing. Allele origin: germline.
Comment: This variant is classified as likely benign based on ACMG/AMP sequence variant interpretation guidelines (Richards et al. 2015 PMID: 25741868, with internal and published modifications).

Labcorp Genetics (formerly Invitae), Labcorp
Classification: Likely benign. Last evaluated: 2024-02-15. Review status: criteria provided, single submitter. Criteria: Invitae Variant Classification Sherloc (09022015). Collection method: clinical testing. Allele origin: germline.

Blueprint Genetics
Classification: Likely benign. Last evaluated: 2021-09-18. Review status: criteria provided, single submitter. Criteria: ACMG Guidelines, 2015. Collection method: clinical testing. Allele origin: germline.